The following is an entry in ClinVar:

NM_000372.5(TYR):c.148del (p.Ser50fs)

Gene: TYR (tyrosinase; plus strand). Cytogenetic location: 11q14.3.
Variant type: Deletion.
Coding change: c.148del on transcript NM_000372.5 (MANE Select); coding-DNA position 148, one base deleted (T; older notation c.148delT).
Protein change: p.Ser50fs; shifts the reading frame from serine 50.
Molecular consequence: frameshift variant.
Genome position (GRCh38, 1-based): chr11:89,178,101, T deleted; the last of 3 consecutive T bases (chr11:89,178,099-89,178,101); deleting any one gives the same sequence. VCF-style (leftmost placement, unchanged base first): chr11-89178098-CT-C. GRCh37 (hg19) VCF-style: chr11-88911266-CT-C.
Other names: short protein forms S50fs.
Identifiers: ClinVar variation 2745769 (VCV002745769.3), dbSNP rs2496528091, ClinGen allele CA2697548860.

ClinVar aggregate classification (germline): Pathogenic (1 of 4 stars; one submission).

Submission:

Labcorp Genetics (formerly Invitae), Labcorp
Classification: Pathogenic. Last evaluated: 2023-07-21. Review status: criteria provided, single submitter. Criteria: Invitae Variant Classification Sherloc (09022015). Collection method: clinical testing. Allele origin: germline.
Comment: For these reasons, this variant has been classified as Pathogenic. This variant has not been reported in the literature in individuals affected with TYR-related conditions. This variant is not present in population databases (gnomAD no frequency). This sequence change creates a premature translational stop signal (p.Ser50Glnfs*70) in the TYR gene. It is expected to result in an absent or disrupted protein product. Loss-of-function variants in TYR are known to be pathogenic (PMID: 23504663).

Literature cited by the submitters: PubMed 23504663.